The following is an entry in ClinVar:

NM_021625.5(TRPV4):c.2426G>A (p.Gly809Asp)

Gene: TRPV4 (transient receptor potential cation channel subfamily V member 4; minus strand). Cytogenetic location: 12q24.11.
Variant type: single nucleotide variant.
Coding change: c.2426G>A on transcript NM_021625.5 (MANE Select); coding-DNA position 2426, G replaced by A.
Protein change: p.Gly809Asp; replaces glycine 809 with aspartic acid.
Molecular consequence: missense variant.
Genome position (GRCh38, 1-based): chr12:109,784,348, C>T on the plus strand (G>A on the coding strand, the complement: TRPV4 is on the minus strand). VCF-style: chr12-109784348-C-T. GRCh37 (hg19) VCF-style: chr12-110222153-C-T.
Other names: c.2285G>A, p.Gly762Asp (NM_001177428.2); c.2324G>A, p.Gly775Asp (NM_001177431.2); c.2105G>A, p.Gly702Asp (NM_001177433.2); c.2246G>A, p.Gly749Asp (NM_147204.3); short protein forms G702D, G749D, G762D, G775D, G809D.
Identifiers: ClinVar variation 1053561 (VCV001053561.12), dbSNP rs2136417276, ClinGen allele CA386648743.

ClinVar aggregate classification (germline): Uncertain significance. Review status: criteria provided, multiple submitters, no conflicts (2 of 4 stars). 3 submissions from 3 submitters: Uncertain significance (3). Last evaluated 2026-03-26.

Conditions:
Inborn genetic diseases. Identifiers: MedGen C0950123, MeSH D030342.
Charcot-Marie-Tooth disease axonal type 2C (HMSN2C). Also called: CHARCOT-MARIE-TOOTH DISEASE, AXONAL, AUTOSOMAL DOMINANT, TYPE 2C; Charcot-Marie-Tooth Neuropathy Type 2C; Charcot-Marie-Tooth Disease Type 2, TRPV4-Related (CMT2C). Identifiers: Orphanet 99937, MedGen C1853710, MONDO:0011633, OMIM 606071.

Submissions (3):

GeneDx
Classification: Uncertain significance. Last evaluated: 2026-03-26. Review status: criteria provided, single submitter. Criteria: GeneDx Variant Classification Process June 2021. Collection method: clinical testing. Allele origin: germline.
Comment: Not observed at significant frequency in large population cohorts (gnomAD); In silico analysis suggests that this missense variant does not alter protein structure/function; Has not been previously published as pathogenic or benign to our knowledge

Labcorp Genetics (formerly Invitae), Labcorp
Classification: Uncertain significance for Charcot-Marie-Tooth disease axonal type 2C. Last evaluated: 2023-07-29. Review status: criteria provided, single submitter. Criteria: Invitae Variant Classification Sherloc (09022015). Collection method: clinical testing. Allele origin: germline.
Comment: In summary, the available evidence is currently insufficient to determine the role of this variant in disease. Therefore, it has been classified as a Variant of Uncertain Significance. Advanced modeling of protein sequence and biophysical properties (such as structural, functional, and spatial information, amino acid conservation, physicochemical variation, residue mobility, and thermodynamic stability) has been performed at Invitae for this missense variant, however the output from this modeling did not meet the statistical confidence thresholds required to predict the impact of this variant on TRPV4 protein function. ClinVar contains an entry for this variant (Variation ID: 1053561). This variant has not been reported in the literature in individuals affected with TRPV4-related conditions. This variant is not present in population databases (gnomAD no frequency). This sequence change replaces glycine, which is neutral and non-polar, with aspartic acid, which is acidic and polar, at codon 809 of the TRPV4 protein (p.Gly809Asp).

Ambry Genetics
Classification: Uncertain significance for Inborn genetic diseases. Last evaluated: 2021-04-11. Review status: criteria provided, single submitter. Criteria: Ambry Variant Classification Scheme 2023. Collection method: clinical testing. Allele origin: germline.
Comment: The p.G809D variant (also known as c.2426G>A), located in coding exon 14 of the TRPV4 gene, results from a G to A substitution at nucleotide position 2426. The glycine at codon 809 is replaced by aspartic acid, an amino acid with similar properties. This amino acid position is highly conserved in available vertebrate species. In addition, this alteration is predicted to be deleterious by in silico analysis. Since supporting evidence is limited at this time, the clinical significance of this alteration remains unclear.